The following is an entry in ClinVar:

NM_006767.4(LZTR1):c.2231C>T (p.Ala744Val)

Gene: LZTR1 (leucine zipper like post translational regulator 1; plus strand). Cytogenetic location: 22q11.21.
Variant type: single nucleotide variant.
Coding change: c.2231C>T on transcript NM_006767.4 (MANE Select); coding-DNA position 2231, C replaced by T.
Protein change: p.Ala744Val; replaces alanine 744 with valine.
Molecular consequence: missense variant.
Genome position (GRCh38, 1-based): chr22:20,996,707, C>T. VCF-style: chr22-20996707-C-T. GRCh37 (hg19) VCF-style: chr22-21350996-C-T.
Other names: short protein forms A744V.
Identifiers: ClinVar variation 2503398 (VCV002503398.2), dbSNP rs1924864064, ClinGen allele CA410780746.
Genomic context (GRCh38, chr22:20,996,707, plus strand): 5'-GGTGCGGGCGGACCAGCTTCCTTTAGTCAGCTCCTTAACCAGGCCCCAGCTACTTGTTTG[C>T]GGCCCCCTACTACTACGGCTTCTACAACAACCGGCTGCAGGCGTACTGCAAGCAGAACCT-3'
Protein context (NP_006758.2, residues 734-754): MPPEDSLYLF[Ala744Val]APYYYGFYNN

ClinVar aggregate classification (germline): Uncertain significance. Review status: criteria provided, multiple submitters, no conflicts (2 of 4 stars). 2 submissions from 2 submitters: Uncertain significance (2). Last evaluated 2022-11-25.

Submissions (2):

GeneDx
Classification: Uncertain significance. Last evaluated: 2022-11-25. Review status: criteria provided, single submitter. Criteria: GeneDx Variant Classification Process June 2021. Collection method: clinical testing. Allele origin: germline. Affected: yes.
Comment: Not observed at significant frequency in large population cohorts (gnomAD); In silico analysis supports that this missense variant does not alter protein structure/function; Has not been previously published as pathogenic or benign to our knowledge

Blueprint Genetics
Classification: Uncertain significance. Last evaluated: 2022-10-26. Review status: criteria provided, single submitter. Criteria: ACMG Guidelines, 2015. Collection method: clinical testing. Allele origin: germline.